The following is an entry in ClinVar:

NM_005045.4(RELN):c.5344C>T (p.Arg1782Cys)

Gene: RELN (reelin; minus strand). Cytogenetic location: 7q22.1.
Variant type: single nucleotide variant.
Coding change: c.5344C>T on transcript NM_005045.4 (MANE Select); coding-DNA position 5344, C replaced by T.
Protein change: p.Arg1782Cys; replaces arginine 1782 with cysteine.
Molecular consequence: missense variant.
Genome position (GRCh38, 1-based): chr7:103,561,820, G>A on the plus strand (C>T on the coding strand, the complement: RELN is on the minus strand). VCF-style: chr7-103561820-G-A. GRCh37 (hg19) VCF-style: chr7-103202267-G-A.
Other names: c.5344C>T, p.Arg1782Cys (NM_173054.3); short protein forms R1782C.
Identifiers: ClinVar variation 196958 (VCV000196958.14), dbSNP rs138576725, ClinGen allele CA244801.

ClinVar aggregate classification (germline): Conflicting classifications of pathogenicity. Review status: criteria provided, conflicting classifications (1 of 4 stars). 4 submissions from 4 submitters: Uncertain significance (3); Benign (1). Last evaluated 2026-01-26.

Conditions:
Norman-Roberts syndrome (LIS2). Also called: Lissencephaly 2 (Norman-Roberts type). Identifiers: Orphanet 89844, MedGen C0796089, MONDO:0009760, OMIM 257320.
Familial temporal lobe epilepsy 7. Identifiers: Orphanet 101046, MedGen C4225327, MONDO:0014639, OMIM 616436.

Allele frequency attached by ClinVar (database versions not stated): gnomAD exomes 0.00014; 1000 Genomes Project 30x 0.00016; 1000 Genomes Project 0.00020; ExAC 0.00020; TOPMed 0.00035; gnomAD 0.00039 and 0.00041; ESP Exome Variant Server 0.00077.

Submissions (4):

Labcorp Genetics (formerly Invitae), Labcorp
Classification: Benign for Familial temporal lobe epilepsy 7; Norman-Roberts syndrome. Last evaluated: 2026-01-26. Review status: criteria provided, single submitter. Criteria: Invitae Variant Classification Sherloc (09022015). Collection method: clinical testing. Allele origin: germline.

GeneDx
Classification: Uncertain significance. Last evaluated: 2024-02-09. Review status: criteria provided, single submitter. Criteria: GeneDx Variant Classification Process June 2021. Collection method: clinical testing. Allele origin: germline. Affected: yes.
Comment: Identified in an individual with a neurodevelopmental disorder; however, segregation and detailed clinical information was not provided (PMID: 33004838); In silico analysis supports that this missense variant does not alter protein structure/function; This variant is associated with the following publications: (PMID: 33004838)

New York Genome Center
Classification: Uncertain significance. Last evaluated: 2020-06-26. Review status: criteria provided, single submitter. Criteria: NYGC Assertion Criteria 2020. Collection method: clinical testing. Allele origin: inherited. Affected: yes. Observed: 1 heterozygote. Study: CSER-NYCKidSeq.

Eurofins Ntd Llc (ga)
Classification: Uncertain significance. Last evaluated: 2015-03-02. Review status: criteria provided, single submitter. Criteria: EGL Classification Definitions 2015. Collection method: clinical testing. Allele origin: germline. Observed: 1 variant allele, 1 heterozygote.